The following is an entry in ClinVar:

NM_001042492.3(NF1):c.4720del (p.Thr1574fs)

Gene: NF1 (neurofibromin 1; plus strand). Cytogenetic location: 17q11.2.
Variant type: Deletion.
Coding change: c.4720del on transcript NM_001042492.3 (MANE Select); coding-DNA position 4720, one base deleted (A; older notation c.4720delA).
Protein change: p.Thr1574fs; shifts the reading frame from threonine 1574.
Molecular consequence: frameshift variant.
Genome position (GRCh38, 1-based): chr17:31,261,853, A deleted. VCF-style (leftmost placement, unchanged base first): chr17-31261852-GA-G. GRCh37 (hg19) VCF-style: chr17-29588870-GA-G.
Other names: c.4657delA, p.Thr1553Leufs (NM_000267.4); short protein forms T1553fs, T1574fs.
Identifiers: ClinVar variation 1072496 (VCV001072496.5), dbSNP rs2151466537, ClinGen allele CA2499224148.

ClinVar aggregate classification (germline): Pathogenic (1 of 4 stars; one submission).

Conditions:
Neurofibromatosis, type 1 (NF1). Also called: VON RECKLINGHAUSEN DISEASE; Peripheral type neurofibromatosis; NEUROFIBROMATOSIS, TYPE I, SOMATIC; Neurofibromatosis, type I. Identifiers: Orphanet 636, MedGen C0027831, MONDO:0018975, OMIM 162200. Disease mechanism: loss of function.

Submission:

Labcorp Genetics (formerly Invitae), Labcorp
Classification: Pathogenic for Neurofibromatosis, type 1. Last evaluated: 2020-09-24. Review status: criteria provided, single submitter. Criteria: Invitae Variant Classification Sherloc (09022015). Collection method: clinical testing. Allele origin: germline.
Comment: For these reasons, this variant has been classified as Pathogenic. Loss-of-function variants in NF1 are known to be pathogenic (PMID: 10712197, 23913538). This variant has not been reported in the literature in individuals with NF1-related conditions. This variant is not present in population databases (ExAC no frequency). This sequence change creates a premature translational stop signal (p.Thr1553Leufs*14) in the NF1 gene. It is expected to result in an absent or disrupted protein product.

Literature cited by the submitters: PubMed 10712197; PubMed 23913538.